The following is an entry in ClinVar:

NM_201384.3(PLEC):c.9429C>G (p.Ile3143Met)

Gene: PLEC (plectin; minus strand). Cytogenetic location: 8q24.3.
Variant type: single nucleotide variant.
Coding change: c.9429C>G on transcript NM_201384.3 (MANE Select); coding-DNA position 9429, C replaced by G.
Protein change: p.Ile3143Met; replaces isoleucine 3143 with methionine.
Molecular consequence: missense variant.
Genome position (GRCh38, 1-based): chr8:143,920,392, G>C on the plus strand (C>G on the coding strand, the complement: PLEC is on the minus strand). VCF-style: chr8-143920392-G-C. GRCh37 (hg19) VCF-style: chr8-144994560-G-C.
Other names: c.9510C>G, p.Ile3170Met (NM_000445.5); c.6129C>G, p.Ile2043Met (NM_001410941.1); c.9333C>G, p.Ile3111Met (NM_201381.3); c.9387C>G, p.Ile3129Met (NM_201378.4); c.9363C>G, p.Ile3121Met (NM_201379.3); c.9840C>G, p.Ile3280Met (NM_201380.4); c.9429C>G, p.Ile3143Met (NM_201382.4); c.9441C>G, p.Ile3147Met (NM_201383.3); short protein forms I3143M, I3170M, I3121M, I3147M, I3280M, I3111M, I2043M, I3129M.
Identifiers: ClinVar variation 2949164 (VCV002949164.3), dbSNP rs782508734, ClinGen allele CA372509487.
Genomic context (GRCh38, chr8:143,920,392, plus strand): 5'-CAGGCAGCCTCGGGCGCAGGCGACATCCAGGGGCACGCGGTGGCTCTTGCTGGGGTCCAC[G>C]ATGCCGCCCGTGGACAGCTGGGCGTCCAACAGGCGCAGGCCCTGCTCCCGGGGAATGAGG-3'
Protein context (NP_958786.1, residues 3133-3153): LLDAQLSTGG[Ile3143Met]VDPSKSHRVP

ClinVar aggregate classification (germline): Uncertain significance (1 of 4 stars; one submission).

Conditions:
Epidermolysis bullosa simplex with nail dystrophy (EBS5D). Identifiers: MedGen C4225309, MONDO:0014661, OMIM 616487.
Epidermolysis bullosa simplex, Ogna type (EBS5A). Also called: Pidermolysis bullosa simplex 5A, Ogna type; EPIDERMOLYSIS BULLOSA SIMPLEX 5A, OGNA TYPE. Identifiers: Orphanet 79401, MedGen C0432317, MONDO:0007555, OMIM 131950.
Autosomal recessive limb-girdle muscular dystrophy type 2Q (LGMDR17). Also called: MUSCULAR DYSTROPHY, LIMB-GIRDLE, AUTOSOMAL RECESSIVE 17. Identifiers: Orphanet 254361, MedGen C3150989, MONDO:0013390, OMIM 613723.
Epidermolysis bullosa simplex 5B, with muscular dystrophy (EBS5B). Also called: EPIDERMOLYSIS BULLOSA SIMPLEX AND LIMB-GIRDLE MUSCULAR DYSTROPHY; Epidermolysis bullosa simplex with muscular dystrophy. Identifiers: Orphanet 257, MedGen C2931072, MONDO:0009181, OMIM 226670.
Epidermolysis bullosa simplex 5C, with pyloric atresia (EBS5C). Also called: PLEC-Related Epidermolysis Bullosa with Pyloric Atresia; Epidermolysis bullosa simplex with pyloric atresia; PLEC1-Related Epidermolysis Bullosa with Pyloric Atresia. Identifiers: Orphanet 158684, MedGen C2677349, MONDO:0012807, OMIM 612138.

Submission:

Labcorp Genetics (formerly Invitae), Labcorp
Classification: Uncertain significance for Autosomal recessive limb-girdle muscular dystrophy type 2Q; Epidermolysis bullosa simplex, Ogna type; Epidermolysis bullosa simplex with nail dystrophy; Epidermolysis bullosa simplex 5C, with pyloric atresia; Epidermolysis bullosa simplex 5B, with muscular dystrophy. Last evaluated: 2023-06-22. Review status: criteria provided, single submitter. Criteria: Invitae Variant Classification Sherloc (09022015). Collection method: clinical testing. Allele origin: germline.
Comment: This variant is not present in population databases (gnomAD no frequency). This variant has not been reported in the literature in individuals affected with PLEC-related conditions. An algorithm developed to predict the effect of missense changes on protein structure and function (PolyPhen-2) suggests that this variant is likely to be disruptive. In summary, the available evidence is currently insufficient to determine the role of this variant in disease. Therefore, it has been classified as a Variant of Uncertain Significance. This sequence change replaces isoleucine, which is neutral and non-polar, with methionine, which is neutral and non-polar, at codon 3170 of the PLEC protein (p.Ile3170Met).